The following is an entry in ClinVar:

NM_012470.4(TNPO3):c.2212C>G (p.Gln738Glu)

Gene: TNPO3 (transportin 3; minus strand). Cytogenetic location: 7q32.1.
Variant type: single nucleotide variant.
Coding change: c.2212C>G on transcript NM_012470.4 (MANE Select); coding-DNA position 2212, C replaced by G.
Protein change: p.Gln738Glu; replaces glutamine 738 with glutamic acid.
Molecular consequence: missense variant. On other transcripts: non-coding transcript variant (18).
Genome position (GRCh38, 1-based): chr7:128,974,929, G>C on the plus strand (C>G on the coding strand, the complement: TNPO3 is on the minus strand). VCF-style: chr7-128974929-G-C. GRCh37 (hg19) VCF-style: chr7-128614983-G-C.
Other names: c.2020C>G, p.Gln674Glu (NM_001191028.3, NM_001382223.1); c.2314C>G, p.Gln772Glu (NM_001382216.1); c.2293C>G, p.Gln765Glu (NM_001382217.1); c.2212C>G, p.Gln738Glu (NM_001382218.1); c.2104C>G, p.Gln702Glu (NM_001382219.1); c.2071C>G, p.Gln691Glu (NM_001382220.1); c.2068C>G, p.Gln690Glu (NM_001382221.1); c.2065C>G, p.Gln689Glu (NM_001382222.1); short protein forms Q674E, Q689E, Q690E, Q691E, Q702E, Q738E, Q765E, Q772E.
Identifiers: ClinVar variation 1010592 (VCV001010592.10), dbSNP rs1798907371, ClinGen allele CA369217530.

ClinVar aggregate classification (germline): Uncertain significance. Review status: criteria provided, multiple submitters, no conflicts (2 of 4 stars). 2 submissions from 2 submitters: Uncertain significance (2). Last evaluated 2022-06-20.

Conditions:
Autosomal dominant limb-girdle muscular dystrophy type 1F (LGMDD2). Also called: Limb-girdle muscular dystrophy, type 1F; MUSCULAR DYSTROPHY, LIMB-GIRDLE, AUTOSOMAL DOMINANT 2. Identifiers: Orphanet 55595, MedGen C1842062, MONDO:0012034, OMIM 608423.

gnomAD v4.1: 2 of 1,614,202 alleles (0.00012%); highest among the groups gnomAD compares: Non-Finnish European, 0.000085%; no homozygotes.

Submissions (2):

Labcorp Genetics (formerly Invitae), Labcorp
Classification: Uncertain significance for Autosomal dominant limb-girdle muscular dystrophy type 1F. Last evaluated: 2022-06-20. Review status: criteria provided, single submitter. Criteria: Invitae Variant Classification Sherloc (09022015). Collection method: clinical testing. Allele origin: germline.
Comment: In summary, the available evidence is currently insufficient to determine the role of this variant in disease. Therefore, it has been classified as a Variant of Uncertain Significance. Algorithms developed to predict the effect of missense changes on protein structure and function (SIFT, PolyPhen-2, Align-GVGD) all suggest that this variant is likely to be tolerated. ClinVar contains an entry for this variant (Variation ID: 1010592). This variant has not been reported in the literature in individuals affected with TNPO3-related conditions. This variant is not present in population databases (gnomAD no frequency). This sequence change replaces glutamine, which is neutral and polar, with glutamic acid, which is acidic and polar, at codon 738 of the TNPO3 protein (p.Gln738Glu).

GeneDx
Classification: Uncertain significance. Last evaluated: 2019-10-07. Review status: criteria provided, single submitter. Criteria: GeneDx Variant Classification Process June 2021. Collection method: clinical testing. Allele origin: germline. Affected: yes.
Comment: Not observed in large population cohorts (Lek et al., 2016); In silico analysis, which includes protein predictors and evolutionary conservation, supports that this variant does not alter protein structure/function; Has not been previously published as pathogenic or benign to our knowledge